The following is an entry in ClinVar:

ClinVar aggregate classification (germline): Uncertain significance (1 of 4 stars; one submission).

Conditions:
CRB2-related disorder. Also called: CRB2-related disorders; CRB2-related condition.

Submission:

PreventionGenetics, part of Exact Sciences
Classification: Uncertain significance for CRB2-related condition. Last evaluated: 2025-05-21. Review status: criteria provided, single submitter. Criteria: ACMG Guidelines, 2015. Collection method: clinical testing. Allele origin: germline.
Comment: The CRB2 c.569G>T variant is predicted to result in the amino acid substitution p.Ser190Ile. To our knowledge, this variant has not been reported in the literature. This variant is reported in 0.016% of alleles in individuals of African descent in gnomAD. At the time of reporting, this variant was not present in ClinVar. At this time, the clinical significance of this variant is uncertain due to the absence of conclusive functional and genetic evidence.

NM_173689.7(CRB2):c.569G>T (p.Ser190Ile)

Gene: CRB2 (crumbs cell polarity complex component 2; plus strand). Cytogenetic location: 9q33.3.
Variant type: single nucleotide variant.
Coding change: c.569G>T on transcript NM_173689.7 (MANE Select); coding-DNA position 569, G replaced by T.
Protein change: p.Ser190Ile; replaces serine 190 with isoleucine.
Molecular consequence: missense variant.
Genome position (GRCh38, 1-based): chr9:123,366,067, G>T. VCF-style: chr9-123366067-G-T. GRCh37 (hg19) VCF-style: chr9-126128346-G-T.
Other names: short protein forms S190I.
Identifiers: ClinVar variation 4990138 (VCV004990138.1).